The following is an entry in ClinVar:

NM_145045.5(ODAD3):c.670G>A (p.Glu224Lys)

Gene: ODAD3 (outer dynein arm docking complex subunit 3; minus strand). Cytogenetic location: 19p13.2.
Variant type: single nucleotide variant.
Coding change: c.670G>A on transcript NM_145045.5 (MANE Select); coding-DNA position 670, G replaced by A.
Protein change: p.Glu224Lys; replaces glutamic acid 224 with lysine.
Molecular consequence: missense variant. On other transcripts: intron variant (1).
Genome position (GRCh38, 1-based): chr19:11,426,727, C>T on the plus strand (G>A on the coding strand, the complement: ODAD3 is on the minus strand). VCF-style: chr19-11426727-C-T. GRCh37 (hg19) VCF-style: chr19-11537547-C-T.
Other names: c.508G>A, p.Glu170Lys (NM_001302453.1); c.534+146G>A (NM_001302454.2); c.670G>A (NM_145045.4); short protein forms E170K, E224K.
Identifiers: ClinVar variation 2199516 (VCV002199516.4), dbSNP rs374880550, ClinGen allele CA9212316.

ClinVar aggregate classification (germline): Uncertain significance. Review status: criteria provided, multiple submitters, no conflicts (2 of 4 stars). 2 submissions from 2 submitters: Uncertain significance (2). Last evaluated 2025-12-17.

Conditions:
Inborn genetic diseases. Identifiers: MedGen C0950123, MeSH D030342.
Primary ciliary dyskinesia 30. Also called: CILIARY DYSKINESIA, PRIMARY, 30, WITH OR WITHOUT SITUS INVERSUS. Identifiers: Orphanet 244, MedGen C4015016, MONDO:0014465, OMIM 616037.

Allele frequency attached by ClinVar (database versions not stated): gnomAD exomes 0.00001; ExAC 0.00002; TOPMed 0.00002; gnomAD 0.00004; ESP Exome Variant Server 0.00008.

Submissions (2):

Ambry Genetics
Classification: Uncertain significance for Inborn genetic diseases. Last evaluated: 2025-12-17. Review status: criteria provided, single submitter. Criteria: Ambry Variant Classification Scheme 2023. Collection method: clinical testing. Allele origin: germline.

Labcorp Genetics (formerly Invitae), Labcorp
Classification: Uncertain significance for Primary ciliary dyskinesia 30. Last evaluated: 2022-06-02. Review status: criteria provided, single submitter. Criteria: Invitae Variant Classification Sherloc (09022015). Collection method: clinical testing. Allele origin: germline.
Comment: This variant is present in population databases (rs374880550, gnomAD 0.004%). This sequence change replaces glutamic acid, which is acidic and polar, with lysine, which is basic and polar, at codon 224 of the CCDC151 protein (p.Glu224Lys). This variant has not been reported in the literature in individuals affected with CCDC151-related conditions. In summary, the available evidence is currently insufficient to determine the role of this variant in disease. Therefore, it has been classified as a Variant of Uncertain Significance. Algorithms developed to predict the effect of missense changes on protein structure and function output the following: SIFT: "Tolerated"; PolyPhen-2: "Possibly Damaging"; Align-GVGD: "Class C0". The lysine amino acid residue is found in multiple mammalian species, which suggests that this missense change does not adversely affect protein function.